The following is an entry in ClinVar:

ClinVar aggregate classification (germline): Uncertain significance (1 of 4 stars; one submission).

Conditions:
Tuberous sclerosis 2 (TSC2). Identifiers: Orphanet 805, MedGen C1860707, MONDO:0013199, OMIM 613254.

Submission:

MVZ Medizinische Genetik Mainz
Classification: Uncertain significance for Tuberous sclerosis 2. Last evaluated: 2023-07-27. Review status: criteria provided, single submitter. Criteria: UK Practice Guidelines For Variant Classification V4 01 2020. Collection method: clinical testing. Allele origin: germline. Inheritance: Autosomal dominant inheritance. Observed: 1 variant allele.
Comment: PM2_SUP_MOD,PM4

NM_000548.5(TSC2):c.269_277del (p.Gln90_Glu92del)

Gene: TSC2 (TSC complex subunit 2; plus strand). Cytogenetic location: 16p13.3.
Variant type: Deletion.
Coding change: c.269_277del on transcript NM_000548.5 (MANE Select); coding-DNA positions 269 to 277, 9 bases deleted (AGCCGGAGC; older notation c.269_277delAGCCGGAGC).
Protein change: p.Gln90_Glu92del.
Molecular consequence: inframe deletion. On other transcripts: 5 prime UTR variant (14), non-coding transcript variant (5), intron variant (9).
Genome position (GRCh38, 1-based): chr16:2,053,385-2,053,393, AGCCGGAGC deleted; deleting any 9 consecutive bases within chr16:2,053,383-2,053,393 gives the same sequence; the c. name uses the placement nearest the transcript's 3' end. VCF-style (leftmost placement, unchanged base first): chr16-2053382-TGCAGCCGGA-T. GRCh37 (hg19) VCF-style: chr16-2103383-TGCAGCCGGA-T.
Other names: c.122_130del, p.Gln41_Glu43del (NM_001406676.1, NM_001406677.1, NM_001406679.1 and 2 more transcripts); c.-548_-540del (NM_001406680.1, NM_001406683.1, NM_001406687.1); c.-177_-169del (NM_001406681.1); c.-1163_-1155del (NM_001406689.1, NM_001406690.1, NM_001406691.1 and 2 more transcripts); c.-1469_-1461del (NM_001406693.1); c.-1044_-1036del (NM_001406694.1, NM_001406695.1); c.-1151_-1143del (NM_001406696.1); c.-1339_-1331del (NM_001406698.1); and 4 more.
Identifiers: ClinVar variation 3061853 (VCV003061853.1), dbSNP rs2548397288, ClinGen allele CA2740096830.
Genomic context (GRCh38, chr16:2,053,382, plus strand): 5'-GTCCCCTCTGCTGGTGACAGCACGCAGTGGAAGCACTCTGGAAGGCGGTCGCGGATCTGT[TGCAGCCGGA>T]GCGGCCGCTGGAGGCCCGGCACGCGGTGCTGGCTCTGCTGAAGGCCATCGTGCAGGGGCA-3'